The following is an entry in ClinVar:

ClinVar aggregate classification (germline): Likely benign. Review status: criteria provided, multiple submitters, no conflicts (2 of 4 stars). 2 submissions from 2 submitters: Likely benign (2). Last evaluated 2024-07-01.

Allele frequency attached by ClinVar (database versions not stated): TOPMed 0.00001; gnomAD 0.00007; ExAC 0.00018.
gnomAD v4.1: 180 of 1,613,558 alleles (0.011%); highest among the groups gnomAD compares: South Asian, 0.18%; 3 homozygotes.

Submissions (2):

Labcorp Genetics (formerly Invitae), Labcorp
Classification: Likely benign. Last evaluated: 2024-07-01. Review status: criteria provided, single submitter. Criteria: Invitae Variant Classification Sherloc (09022015). Collection method: clinical testing. Allele origin: germline.

CeGaT Center for Human Genetics Tuebingen
Classification: Likely benign. Last evaluated: 2024-01-01. Review status: criteria provided, single submitter. Criteria: CeGaT Center For Human Genetics Tuebingen Variant Classification Criteria Version 2. Collection method: clinical testing. Allele origin: germline. Affected: yes. Observed: 1 variant allele.
Comment: CARMIL2: BP4, BP7

NM_001013838.3(CARMIL2):c.1668G>A (p.Arg556=)

Gene: CARMIL2 (capping protein regulator and myosin 1 linker 2; plus strand). Cytogenetic location: 16q22.1.
Variant type: single nucleotide variant.
Coding change: c.1668G>A on transcript NM_001013838.3 (MANE Select); coding-DNA position 1668, G replaced by A.
Protein change: p.Arg556=; no amino-acid change (arginine 556 retained).
Molecular consequence: synonymous variant.
Genome position (GRCh38, 1-based): chr16:67,649,152, G>A. VCF-style: chr16-67649152-G-A. GRCh37 (hg19) VCF-style: chr16-67683055-G-A.
Other names: c.1560G>A, p.Arg520= (NM_001317026.3).
Identifiers: ClinVar variation 2155211 (VCV002155211.26), dbSNP rs565883438, ClinGen allele CA8113525.
Genomic context (GRCh38, chr16:67,649,152, plus strand): 5'-GGTGACTCTGGTGCTGGCCATCGGGAGAAGCCGGTCCCTGAGACATGTGGCGCTTGGAAG[G>A]AACTTCAACGTCCGGTGCAAGTGAGCCCCCACCCTACTCCTGGGCCTCCCAGACAACACC-3'
Protein context (NP_001013860.1, residues 546-566): SRSLRHVALG[Arg556=]NFNVRCKETL